The following is an entry in ClinVar:

ClinVar aggregate classification (germline): Benign/Likely benign. Review status: criteria provided, multiple submitters, no conflicts (2 of 4 stars). 11 submissions from 9 submitters: Benign (5); Likely benign (6). Last evaluated 2026-01-31.

Conditions:
Hypertrophic cardiomyopathy 2. Also called: TNNT2-Related Familial Hypertrophic Cardiomyopathy. Identifiers: MedGen C1861864, MONDO:0007266, OMIM 115195.
Dilated cardiomyopathy 1D. Identifiers: Orphanet 154, Orphanet 54260, MedGen C1832243, MONDO:0011095, OMIM 601494.
Cardiomyopathy, familial restrictive, 3. Identifiers: Orphanet 75249, MedGen C2676271, MONDO:0012900, OMIM 612422.
Cardiomyopathy (CMYO). Also called: Cardiomyopathies. Identifiers: Orphanet 167848, MedGen C0878544, MONDO:0004994, HP:0001638. Inheritance: Various modes of inheritance.

Allele frequency attached by ClinVar (database versions not stated): gnomAD 0.00005 and 0.00006; TOPMed 0.00005; ExAC 0.00012; gnomAD exomes 0.00012.
gnomAD v4.1: 76 of 1,605,978 alleles (0.0047%); highest among the groups gnomAD compares: Admixed American, 0.05%; no homozygotes.

Submissions (11):

Labcorp Genetics (formerly Invitae), Labcorp
Classification: Benign for Cardiomyopathy, familial restrictive, 3; Hypertrophic cardiomyopathy 2; Dilated cardiomyopathy 1D. Last evaluated: 2026-01-31. Review status: criteria provided, single submitter. Criteria: Invitae Variant Classification Sherloc (09022015). Collection method: clinical testing. Allele origin: germline.

All of Us Research Program, National Institutes of Health
Classification: Likely benign for Cardiomyopathy. Last evaluated: 2024-02-05. Review status: criteria provided, single submitter. Criteria: ACMG Guidelines, 2015. Collection method: clinical testing. Allele origin: germline. Inheritance: Autosomal dominant inheritance. Observed: 12 variant alleles, 12 heterozygotes.
Comment: This study involves interpretation of variants in research participants for the purpose of population health screening. Participant phenotype was not available at the time of variant classification. Additional details can be found in publication PMID: 35346344, PMCID: PMC8962531

Women's Health and Genetics/Laboratory Corporation of America, LabCorp
Classification: Likely benign. Last evaluated: 2023-08-19. Review status: criteria provided, single submitter. Criteria: LabCorp Variant Classification Summary - May 2015. Collection method: clinical testing. Allele origin: germline.

Genome-Nilou Lab
Classification: Benign for Dilated cardiomyopathy 1D. Last evaluated: 2023-04-11. Review status: criteria provided, single submitter. Criteria: ACMG Guidelines, 2015. Collection method: clinical testing. Allele origin: germline. Affected: no.

Genome-Nilou Lab
Classification: Benign for Cardiomyopathy, familial restrictive, 3. Last evaluated: 2023-04-11. Review status: criteria provided, single submitter. Criteria: ACMG Guidelines, 2015. Collection method: clinical testing. Allele origin: germline. Affected: no.

Genome-Nilou Lab
Classification: Benign for Hypertrophic cardiomyopathy 2. Last evaluated: 2023-04-11. Review status: criteria provided, single submitter. Criteria: ACMG Guidelines, 2015. Collection method: clinical testing. Allele origin: germline. Affected: no.

Blueprint Genetics
Classification: Likely benign. Last evaluated: 2022-10-26. Review status: criteria provided, single submitter. Criteria: ACMG Guidelines, 2015. Collection method: clinical testing. Allele origin: germline.

Fulgent Genetics
Classification: Likely benign for Hypertrophic cardiomyopathy 2; Dilated cardiomyopathy 1D; Cardiomyopathy, familial restrictive, 3. Last evaluated: 2021-09-23. Review status: criteria provided, single submitter. Criteria: ACMG Guidelines, 2015. Collection method: clinical testing. Allele origin: unknown.

Color Diagnostics, LLC DBA Color Health
Classification: Likely benign for Cardiomyopathy. Last evaluated: 2019-02-08. Review status: criteria provided, single submitter. Criteria: ACMG Guidelines, 2015. Collection method: clinical testing. Allele origin: germline.

Laboratory for Molecular Medicine, Mass General Brigham Personalized Medicine
Classification: Likely benign. Last evaluated: 2016-03-31. Review status: criteria provided, single submitter. Criteria: LMM Criteria. Collection method: clinical testing. Allele origin: germline. Observed: 1 variant allele.
Comment: c.265-14C>T in intron 8 of TNNT2: This variant is not expected to have clinical significance because a C>T change at this position does not diverge from the spl ice consensus sequence and is therefore unlikely to impact splicing. It has been identified in 10/11576 of Latino chromosomes by the Exome Aggregation Consortiu m (ExAC; dbSNP rs747477576).

GeneDx
Classification: Benign. Last evaluated: 2015-03-03. Review status: criteria provided, single submitter. Criteria: GeneDx Variant Classification Process June 2021. Collection method: clinical testing. Allele origin: germline. Affected: yes.

NM_001276345.2(TNNT2):c.295-14C>T

Gene: TNNT2 (troponin T2, cardiac type; minus strand). Cytogenetic location: 1q32.1.
Variant type: single nucleotide variant.
Coding change: c.295-14C>T on transcript NM_001276345.2 (MANE Select); 14 bases into the intron before coding-DNA position 295, C replaced by T.
Molecular consequence: intron variant.
Genome position (GRCh38, 1-based): chr1:201,365,321, G>A on the plus strand (C>T on the coding strand, the complement: TNNT2 is on the minus strand). VCF-style: chr1-201365321-G-A. GRCh37 (hg19) VCF-style: chr1-201334449-G-A.
Other names: c.250-14C>T (NM_001001432.3); c.265-14C>T (NM_001001431.3, NM_001001430.3, NM_001276347.2 and 1 more transcripts); c.291+289C>T (NM_001276346.2); c.295-14C>T (NM_000364.4).
Identifiers: ClinVar variation 228021 (VCV000228021.21), dbSNP rs747477576, ClinGen allele CA088968.